The following is an entry in ClinVar:

NM_182916.3(TRNT1):c.97C>T (p.Gln33Ter)

Gene: TRNT1 (tRNA nucleotidyl transferase 1; plus strand). Cytogenetic location: 3p26.2.
Variant type: single nucleotide variant.
Coding change: c.97C>T on transcript NM_182916.3 (MANE Select); coding-DNA position 97, C replaced by T.
Protein change: p.Gln33Ter; replaces glutamine 33 with a stop codon.
Molecular consequence: nonsense. On other transcripts: non-coding transcript variant (11).
Genome position (GRCh38, 1-based): chr3:3,129,137, C>T. VCF-style: chr3-3129137-C-T. GRCh37 (hg19) VCF-style: chr3-3170821-C-T.
Other names: c.97C>T, p.Gln33Ter (NM_001302946.2, NM_001367321.1, NM_001367322.1 and 1 more transcripts); short protein forms Q33*.
Identifiers: ClinVar variation 4854663 (VCV004854663.1).

ClinVar aggregate classification (germline): Likely pathogenic (1 of 4 stars; one submission).

Conditions:
Retinitis pigmentosa and erythrocytic microcytosis (RPEM). Identifiers: MedGen C4310776, MONDO:0014850, OMIM 616959.

gnomAD v4.1: 2 of 1,614,070 alleles (0.00012%); highest among the groups gnomAD compares: Non-Finnish European, 0.00017%; no homozygotes.

Submission:

3billion
Classification: Likely pathogenic for Retinitis pigmentosa and erythrocytic microcytosis. Last evaluated: 2025-05-07. Review status: criteria provided, single submitter. Criteria: ACMG Guidelines, 2015. Collection method: clinical testing. Allele origin: germline. Affected: yes.
Comment: The variant is observed at an extremely low frequency in the gnomAD v4.1.0 dataset (total allele frequency: <0.001%). Predicted Consequence/Location: Stop-gained (nonsense): predicted to result in a loss or disruption of normal protein function through nonsense-mediated decay (NMD) or protein truncation. Multiple pathogenic variants are reported downstream of the variant. Therefore, this variant is classified as Likely pathogenic according to the recommendation of ACMG/AMP guideline.